The following is an entry in ClinVar:

NM_032638.5(GATA2):c.569_570insAAGC (p.Ala191fs)

Gene: GATA2 (GATA binding protein 2; minus strand). Cytogenetic location: 3q21.3.
Variant type: Insertion.
Coding change: c.569_570insAAGC on transcript NM_032638.5 (MANE Select); coding-DNA positions 569 to 570, AAGC inserted.
Protein change: p.Ala191fs; shifts the reading frame from alanine 191.
Molecular consequence: frameshift variant.
Genome position: GRCh38 VCF-style: chr3-128486028-A-AGCTT. GRCh37 (hg19) VCF-style: chr3-128204871-A-AGCTT.
Other names: p.Ala191Serfs*12; c.569_570insAAGC (NM_001145661.1); c.569_570insAAGC, p.Ala191fs (NM_001145661.2, NM_001145662.1); short protein forms A191fs.
Identifiers: ClinVar variation 2683645 (VCV002683645.1), dbSNP rs2472930871, ClinGen allele CA2697556824.

ClinVar aggregate classification (germline): Likely pathogenic (1 of 4 stars; one submission).

Submission:

Mayo Clinic Laboratories, Mayo Clinic
Classification: Likely pathogenic. Last evaluated: 2023-02-15. Review status: criteria provided, single submitter. Criteria: ACMG Guidelines, 2015. Collection method: clinical testing. Allele origin: germline. Observed: 3 variant alleles.
Comment: PM2_supporting, PVS1